The following is an entry in ClinVar:

ClinVar aggregate classification (germline): Benign/Likely benign. Review status: criteria provided, multiple submitters, no conflicts (2 of 4 stars). 10 submissions from 10 submitters: Benign (1); Likely benign (8). 1 of the submissions does not count toward it. Last evaluated 2025-09-24.

Conditions:
Classic or attenuated familial adenomatous polyposis. Identifiers: MedGen CN372698, MONDO:0021057.
Hereditary cancer-predisposing syndrome. Also called: Hereditary neoplastic syndrome; Neoplastic Syndromes, Hereditary; Tumor predisposition; Hereditary Cancer Syndrome. Identifiers: Orphanet 140162, MedGen C0027672, MeSH D009386, MONDO:0015356.
Familial adenomatous polyposis 1 (FAP1). Also called: FAMILIAL ADENOMATOUS POLYPOSIS 1, ATTENUATED; POLYPOSIS, ADENOMATOUS INTESTINAL. Identifiers: MedGen C2713442, MONDO:0021056, OMIM 175100. Disease mechanism: loss of function.

Allele frequency attached by ClinVar (database versions not stated): ExAC 0.00001; gnomAD exomes 0.00001; TOPMed 0.00001.
gnomAD v4.1: 5 of 1,614,148 alleles (0.00031%); highest among the groups gnomAD compares: South Asian, 0.0011%; no homozygotes.

Submissions (10):

Labcorp Genetics (formerly Invitae), Labcorp
Classification: Likely benign for Familial adenomatous polyposis 1. Last evaluated: 2025-09-24. Review status: criteria provided, single submitter. Criteria: Invitae Variant Classification Sherloc (09022015). Collection method: clinical testing. Allele origin: germline.

Institute for Biomarker Research, Medical Diagnostic Laboratories, L.L.C.
Classification: Likely benign for Hereditary cancer-predisposing syndrome. Last evaluated: 2025-01-27. Review status: criteria provided, single submitter. Criteria: ACMG Guidelines, 2015. Collection method: clinical testing. Allele origin: germline.
Comment: The synonymous variant NM_000038.6(APC):c.4005C>T (p.Ser1335=) has been reported to ClinVar as Benign/Likely benign with a status of (2 stars) criteria provided, multiple submitters, no conflicts (Variation ID 184249 as of 2025-01-02). The p.Ser1335= variant is not predicted to disrupt an existing splice site. For these reasons, this variant has been classified as Likely Benign.

Department of Pathology and Laboratory Medicine, Sinai Health System
Classification: Likely benign for classic or attenuated familial adenomatous polyposis. Last evaluated: 2024-10-01. Review status: criteria provided, single submitter. Criteria: ACMG Guidelines, 2015. Collection method: clinical testing. Allele origin: germline.

Myriad Genetics, Inc.
Classification: Benign for Familial adenomatous polyposis 1. Last evaluated: 2023-02-17. Review status: criteria provided, single submitter. Criteria: Myriad Autosomal Dominant, Autosomal Recessive and X-Linked Classification Criteria (2023). Collection method: clinical testing. Allele origin: unknown.
Comment: This variant is considered benign. This variant is a silent/synonymous amino acid change and it is not expected to impact splicing.

Sema4
Classification: Likely benign for Hereditary cancer-predisposing syndrome. Last evaluated: 2020-09-17. Review status: criteria provided, single submitter. Criteria: Sema4 Curation Guidelines. Collection method: curation. Allele origin: germline.

GeneDx
Classification: Likely benign. Last evaluated: 2019-09-06. Review status: criteria provided, single submitter. Criteria: GeneDx Variant Classification Process June 2021. Collection method: clinical testing. Allele origin: germline. Affected: yes.

Color Diagnostics, LLC DBA Color Health
Classification: Likely benign for Hereditary cancer-predisposing syndrome. Last evaluated: 2018-06-25. Review status: criteria provided, single submitter. Criteria: ACMG Guidelines, 2015. Collection method: clinical testing. Allele origin: germline.

PreventionGenetics, part of Exact Sciences
Classification: Likely benign. Last evaluated: 2017-05-26. Review status: criteria provided, single submitter. Criteria: ACMG Guidelines, 2015. Collection method: clinical testing. Allele origin: germline.

Ambry Genetics
Classification: Likely benign for Hereditary cancer-predisposing syndrome. Last evaluated: 2014-10-29. Review status: criteria provided, single submitter. Criteria: Ambry Variant Classification Scheme 2023. Collection method: clinical testing. Allele origin: germline.

Counsyl
Classification: Likely benign for Familial adenomatous polyposis 1. Last evaluated: 2015-11-25. Review status: no assertion criteria provided. Collection method: clinical testing. Allele origin: unknown. Not counted in ClinVar's aggregate classification.

NM_000038.6(APC):c.4005C>T (p.Ser1335=)

Gene: APC (APC regulator of Wnt signaling pathway; plus strand). Cytogenetic location: 5q22.2.
Variant type: single nucleotide variant.
Coding change: c.4005C>T on transcript NM_000038.6 (MANE Select); coding-DNA position 4005, C replaced by T.
Protein change: p.Ser1335=; no amino-acid change (serine 1335 retained).
Molecular consequence: synonymous variant.
Genome position (GRCh38, 1-based): chr5:112,839,599, C>T. VCF-style: chr5-112839599-C-T. GRCh37 (hg19) VCF-style: chr5-112175296-C-T.
Other names: c.4005C>T, p.Ser1335= (NM_001127510.3, NM_001354895.2); c.3951C>T, p.Ser1317= (NM_001127511.3); c.4059C>T, p.Ser1353= (NM_001354896.2); c.4035C>T, p.Ser1345= (NM_001354897.2); c.3930C>T, p.Ser1310= (NM_001354898.2); c.3921C>T, p.Ser1307= (NM_001354899.2); c.3882C>T, p.Ser1294= (NM_001354900.2); c.3828C>T, p.Ser1276= (NM_001354901.2); and 5 more.
Identifiers: ClinVar variation 184249 (VCV000184249.26), dbSNP rs751729992, ClinGen allele CA008857.